The following is an entry in ClinVar:

ClinVar aggregate classification (germline): Uncertain significance (1 of 4 stars; one submission).

Conditions:
Hereditary sensory and autonomic neuropathy type 6. Also called: Neuropathy, hereditary sensory and autonomic, type VI; HSAN VI. Identifiers: Orphanet 314381, MedGen C3539003, MONDO:0013839, OMIM 614653.
Epidermolysis bullosa simplex 3, localized or generalized intermediate, with BP230 deficiency (EBS3). Also called: Epidermolysis bullosa simplex, autosomal recessive 2; Epidermolysis bullosa simplex due to BP230 deficiency. Identifiers: Orphanet 412181, MedGen C3809470, MONDO:0014180, OMIM 615425.

Allele frequency attached by ClinVar (database versions not stated): gnomAD exomes below 0.00001; TOPMed below 0.00001; gnomAD 0.00001.
gnomAD v4.1: 5 of 1,614,034 alleles (0.00031%); highest among the groups gnomAD compares: Middle Eastern, 0.016%; no homozygotes.

Submission:

Labcorp Genetics (formerly Invitae), Labcorp
Classification: Uncertain significance for Epidermolysis bullosa simplex 3, localized or generalized intermediate, with BP230 deficiency; Hereditary sensory and autonomic neuropathy type 6. Last evaluated: 2022-08-07. Review status: criteria provided, single submitter. Criteria: Invitae Variant Classification Sherloc (09022015). Collection method: clinical testing. Allele origin: germline.
Comment: The DST gene has multiple clinically relevant transcripts. This variant occurs in alternate transcript NM_015548.4, and corresponds to NM_001723.5:c.*62602A>G in the primary transcript. This sequence change replaces lysine, which is basic and polar, with glutamic acid, which is acidic and polar, at codon 2670 of the DST protein (p.Lys2670Glu). This variant is not present in population databases (gnomAD no frequency). This variant has not been reported in the literature in individuals affected with DST-related conditions. Experimental studies and prediction algorithms are not available or were not evaluated, and the functional significance of this variant is currently unknown. In summary, the available evidence is currently insufficient to determine the role of this variant in disease. Therefore, it has been classified as a Variant of Uncertain Significance.

NM_001374736.1(DST):c.15877A>G (p.Lys5293Glu)

Gene: DST (dystonin; minus strand). Cytogenetic location: 6p12.1.
Variant type: single nucleotide variant.
Coding change: c.15877A>G on transcript NM_001374736.1 (MANE Select); coding-DNA position 15877, A replaced by G.
Protein change: p.Lys5293Glu; replaces lysine 5293 with glutamic acid.
Molecular consequence: missense variant.
Genome position (GRCh38, 1-based): chr6:56,552,915, T>C on the plus strand (A>G on the coding strand, the complement: DST is on the minus strand). VCF-style: chr6-56552915-T-C. GRCh37 (hg19) VCF-style: chr6-56417713-T-C.
Other names: c.9520A>G, p.Lys3174Glu (NM_001144769.5); c.9106A>G, p.Lys3036Glu (NM_001144770.2); c.15877A>G, p.Lys5293Glu (NM_001374722.1); c.15244A>G, p.Lys5082Glu (NM_001374729.1); c.8986A>G, p.Lys2996Glu (NM_001374730.1, NM_183380.4); c.15904A>G, p.Lys5302Glu (NM_001374734.1); c.8008A>G, p.Lys2670Glu (NM_015548.5); short protein forms K2996E, K3036E, K3174E, K5293E, K5082E, K5302E, K2670E.
Identifiers: ClinVar variation 966447 (VCV000966447.7), dbSNP rs888556461, ClinGen allele CA139206277.